The following is an entry in ClinVar:

ClinVar aggregate classification (germline): Likely pathogenic (1 of 4 stars; one submission).

Conditions:
Cardiovascular phenotype. Identifiers: MedGen CN230736.

Submission:

Molecular Diagnostic Laboratory for Inherited Cardiovascular Disease, Montreal Heart Institute
Classification: Likely pathogenic for Cardiovascular phenotype. Last evaluated: 2026-01-08. Review status: criteria provided, single submitter. Criteria: ACMG Guidelines, 2015. Collection method: clinical testing. Allele origin: germline. Affected: yes.
Comment: PVS1_strong, PM2

NM_004415.4(DSP):c.778-7T>A

Gene: DSP (desmoplakin; plus strand). Cytogenetic location: 6p24.3.
Variant type: single nucleotide variant.
Coding change: c.778-7T>A on transcript NM_004415.4 (MANE Select); 7 bases into the intron before coding-DNA position 778, T replaced by A.
Molecular consequence: intron variant.
Genome position (GRCh38, 1-based): chr6:7,565,352, T>A. VCF-style: chr6-7565352-T-A. GRCh37 (hg19) VCF-style: chr6-7565585-T-A.
Other names: c.778-7T>A (NM_001319034.2, NM_001008844.3, NM_001406591.1).
Identifiers: ClinVar variation 4820472 (VCV004820472.1).